The following is an entry in ClinVar:

ClinVar aggregate classification (germline): Uncertain significance (1 of 4 stars; one submission).

gnomAD v4.1: 2 of 1,551,156 alleles (0.00013%); highest among the groups gnomAD compares: Admixed American, 0.0039%; no homozygotes.

Submission:

Women's Health and Genetics/Laboratory Corporation of America, LabCorp
Classification: Uncertain significance. Last evaluated: 2025-12-09. Review status: criteria provided, single submitter. Criteria: LabCorp Variant Classification Summary - May 2015. Collection method: clinical testing. Allele origin: germline.
Comment: Variant summary: LOXHD1 c.6155+4T>A alters a conserved nucleotide located close to a canonical splice site and therefore could affect mRNA splicing, leading to a significantly altered protein sequence. Consensus agreement among computation tools predict no significant impact on normal splicing. However, these predictions have yet to be confirmed by functional studies. The variant allele was found at a frequency of 6.4e-06 in 156188 control chromosomes. The available data on variant occurrences in the general population are insufficient to allow any conclusion about variant significance. To our knowledge, no occurrence of c.6155+4T>A in individuals affected with LOXHD1-related conditions and no experimental evidence demonstrating its impact on protein function have been reported. No submitters have cited clinical-significance assessments for this variant to ClinVar. Based on the evidence outlined above, the variant was classified as uncertain significance.

NM_001384474.1(LOXHD1):c.6341+4T>A

Gene: LOXHD1 (lipoxygenase homology PLAT domains 1; minus strand). Cytogenetic location: 18q21.1.
Variant type: single nucleotide variant.
Coding change: c.6341+4T>A on transcript NM_001384474.1 (MANE Select); 4 bases into the intron after coding-DNA position 6341, T replaced by A.
Molecular consequence: intron variant.
Genome position (GRCh38, 1-based): chr18:46,483,583, A>T on the plus strand (T>A on the coding strand, the complement: LOXHD1 is on the minus strand). VCF-style: chr18-46483583-A-T. GRCh37 (hg19) VCF-style: chr18-44063546-A-T.
Other names: c.3008+4T>A (NM_001145472.3); c.2720+4T>A (NM_001308013.2); c.1058+4T>A (NM_001173129.2, NM_001145473.3); c.6155+4T>A (NM_144612.7).
Identifiers: ClinVar variation 4688487 (VCV004688487.1).